The following is an entry in ClinVar:

NM_001130009.3(GEN1):c.1659A>G (p.Ile553Met)

Gene: GEN1 (GEN1 structure-specific endonuclease; plus strand). Cytogenetic location: 2p24.2.
Variant type: single nucleotide variant.
Coding change: c.1659A>G on transcript NM_001130009.3 (MANE Select); coding-DNA position 1659, A replaced by G.
Protein change: p.Ile553Met; replaces isoleucine 553 with methionine.
Molecular consequence: missense variant.
Genome position (GRCh38, 1-based): chr2:17,780,871, A>G. VCF-style: chr2-17780871-A-G. GRCh37 (hg19) VCF-style: chr2-17962138-A-G.
Other names: c.1659A>G, p.Ile553Met (NM_182625.5); c.1659A>G (NM_001130009.1); short protein forms I553M.
Identifiers: ClinVar variation 1481648 (VCV001481648.7), dbSNP rs2125177870, ClinGen allele CA345926345.

ClinVar aggregate classification (germline): Uncertain significance. Review status: criteria provided, multiple submitters, no conflicts (2 of 4 stars). 2 submissions from 2 submitters: Uncertain significance (2). Last evaluated 2025-06-29.

Allele frequency attached by ClinVar (database versions not stated): gnomAD exomes below 0.00001.
gnomAD v4.1: 3 of 1,613,966 alleles (0.00019%); highest among the groups gnomAD compares: Non-Finnish European, 0.00025%; no homozygotes.

Submissions (2):

Ambry Genetics
Classification: Uncertain significance. Last evaluated: 2025-06-29. Review status: criteria provided, single submitter. Criteria: Ambry Variant Classification Scheme 2023. Collection method: clinical testing. Allele origin: germline.
Comment: The p.I553M variant (also known as c.1659A>G), located in coding exon 13 of the GEN1 gene, results from an A to G substitution at nucleotide position 1659. The isoleucine at codon 553 is replaced by methionine, an amino acid with highly similar properties. This amino acid position is conserved. In addition, this alteration is predicted to be tolerated by in silico analysis. Based on the available evidence, the clinical significance of this variant remains unclear.

Labcorp Genetics (formerly Invitae), Labcorp
Classification: Uncertain significance. Last evaluated: 2024-03-21. Review status: criteria provided, single submitter. Criteria: Invitae Variant Classification Sherloc (09022015). Collection method: clinical testing. Allele origin: germline.
Comment: This sequence change replaces isoleucine, which is neutral and non-polar, with methionine, which is neutral and non-polar, at codon 553 of the GEN1 protein (p.Ile553Met). This variant is not present in population databases (gnomAD no frequency). This variant has not been reported in the literature in individuals affected with GEN1-related conditions. ClinVar contains an entry for this variant (Variation ID: 1481648). Algorithms developed to predict the effect of missense changes on protein structure and function output the following: SIFT: "Not Available"; PolyPhen-2: "Benign"; Align-GVGD: "Not Available". The methionine amino acid residue is found in multiple mammalian species, which suggests that this missense change does not adversely affect protein function. In summary, the available evidence is currently insufficient to determine the role of this variant in disease. Therefore, it has been classified as a Variant of Uncertain Significance.